The following is an entry in ClinVar:

NM_001430.5(EPAS1):c.1601C>G (p.Pro534Arg)

Gene: EPAS1 (endothelial PAS domain protein 1; plus strand). Cytogenetic location: 2p21.
Variant type: single nucleotide variant.
Coding change: c.1601C>G on transcript NM_001430.5 (MANE Select); coding-DNA position 1601, C replaced by G.
Protein change: p.Pro534Arg; replaces proline 534 with arginine.
Molecular consequence: missense variant.
Genome position (GRCh38, 1-based): chr2:46,380,273, C>G. VCF-style: chr2-46380273-C-G. GRCh37 (hg19) VCF-style: chr2-46607412-C-G.
Other names: short protein forms P534R.
Identifiers: ClinVar variation 3778704 (VCV003778704.1).

ClinVar aggregate classification (germline): Likely pathogenic (1 of 4 stars; one submission).

Conditions:
Erythrocytosis, familial, 4 (ECYT4). Identifiers: Orphanet 247511, MedGen C2673187, MONDO:0012729, OMIM 611783.

Submission:

Institute of Human Genetics, University of Leipzig Medical Center
Classification: Likely pathogenic for Erythrocytosis, familial, 4. Last evaluated: 2025-03-10. Review status: criteria provided, single submitter. Criteria: ACMG Guidelines, 2015. Collection method: clinical testing. Allele origin: unknown. Inheritance: Autosomal dominant inheritance. Affected: yes.
Comment: Criteria applied: PM2,PM5,PM1_SUP,PP3